The following is an entry in ClinVar:

ClinVar aggregate classification (germline): Conflicting classifications of pathogenicity. Review status: criteria provided, conflicting classifications (1 of 4 stars). 8 submissions from 8 submitters: Uncertain significance (6); Likely benign (2). Last evaluated 2025-12-20.

Conditions:
Cardiovascular phenotype. Identifiers: MedGen CN230736.
Duchenne muscular dystrophy (DMD). Also called: Duchenne Muscular Dystrophy (DMD); MUSCULAR DYSTROPHY, PSEUDOHYPERTROPHIC PROGRESSIVE, DUCHENNE TYPE. Identifiers: Orphanet 98896, MedGen C0013264, MONDO:0010679, OMIM 310200.
Dilated cardiomyopathy 3B (CMD3B). Also called: CMD3B: DMD-Related Dilated Cardiomyopathy; CARDIOMYOPATHY, DILATED, X-LINKED; DMD-Associated Dilated Cardiomyopathy. Identifiers: Orphanet 154, MedGen C3668940, MONDO:0010542, OMIM 302045.

Allele frequency attached by ClinVar (database versions not stated): gnomAD exomes 0.00002; TOPMed 0.00002; gnomAD 0.00001.
gnomAD v4.1: 25 of 1,210,826 alleles (0.0021%); highest among the groups gnomAD compares: East Asian, 0.018%; no homozygotes.

Submissions (8):

Labcorp Genetics (formerly Invitae), Labcorp
Classification: Likely benign for Duchenne muscular dystrophy. Last evaluated: 2025-12-20. Review status: criteria provided, single submitter. Criteria: Invitae Variant Classification Sherloc (09022015). Collection method: clinical testing. Allele origin: germline.

Ambry Genetics
Classification: Uncertain significance for Cardiovascular phenotype. Last evaluated: 2025-06-12. Review status: criteria provided, single submitter. Criteria: Ambry Variant Classification Scheme 2023. Collection method: clinical testing. Allele origin: germline.
Comment: The p.D2837N variant (also known as c.8509G>A), located in coding exon 57 of the DMD gene, results from a G to A substitution at nucleotide position 8509. The aspartic acid at codon 2837 is replaced by asparagine, an amino acid with highly similar properties. Based on data from gnomAD, the A allele has an overall frequency of <0.01% (3/183248) total alleles studied, with 1 hemizygote(s) observed. The highest observed frequency was <0.01% (1/13857) of East Asian alleles. This amino acid position is highly conserved in available vertebrate species. In addition, this alteration is predicted to be tolerated by in silico analysis. Based on the available evidence, the clinical significance of this variant remains unclear.

Blueprint Genetics
Classification: Likely benign. Last evaluated: 2022-11-08. Review status: criteria provided, single submitter. Criteria: ACMG Guidelines, 2015. Collection method: clinical testing. Allele origin: germline.

Revvity Omics, Revvity
Classification: Uncertain significance. Last evaluated: 2022-03-16. Review status: criteria provided, single submitter. Criteria: ACMG Guidelines, 2015. Collection method: clinical testing. Allele origin: germline.

Victorian Clinical Genetics Services, Murdoch Childrens Research Institute
Classification: Uncertain significance for Dilated cardiomyopathy 3B. Last evaluated: 2021-05-06. Review status: criteria provided, single submitter. Criteria: ACMG Guidelines, 2015. Collection method: clinical testing. Allele origin: germline. Inheritance: X-linked dominant inheritance. Affected: yes.
Comment: Based on the classification scheme VCGS_Germline_v1.3.4, this variant is classified as VUS-3B. Following criteria are met: 0102 - Loss of function is a known mechanism of disease in this gene and is associated with Becker muscular dystrophy (MIM#300376), Duchenne muscular dystrophy (MIM#310200) and dilated cardiomyopathy 3B (DCM) (MIM#302045). (I) 0108 - This gene is associated with both X-linked recessive and dominant disease. This gene is primarily associated with X-linked recessive disease relating to the muscular dystrophy phenotypes but is also reported to be associated with X-linked dominant DCM (OMIM, PMID: 26066469). (I) 0200 - Variant is predicted to result in a missense amino acid change from aspartic acid to asparagine. (I) 0251 - This variant is heterozygous. (I) 0302 - Variant is present in gnomAD (v2) <0.001 for a dominant condition (2 heterozygotes, 0 homozygotes, 1 hemizygote). (SP) 0502 - Missense variant with conflicting in silico predictions and uninformative conservation. (I) 0600 - Variant is located in the annotated spectrin repeat region (NCBI, Uniprot). (I) 0705 - No comparable missense variants have previous evidence for pathogenicity. (I) 0809 - Previous evidence of pathogenicity for this variant is inconclusive. This variant has been reported several times as a VUS (ClinVar). (I) 0905 - No published segregation evidence has been identified for this variant. (I) 1007 - No published functional evidence has been identified for this variant. (I) 1208 - Inheritance information for this variant is not currently available in this individual. (I) Legend: (SP) - Supporting pathogenic, (I) - Information, (SB) - Supporting benign

CeGaT Center for Human Genetics Tuebingen
Classification: Uncertain significance. Last evaluated: 2018-08-01. Review status: criteria provided, single submitter. Criteria: CeGaT Center For Human Genetics Tuebingen Variant Classification Criteria Version 2. Collection method: clinical testing. Allele origin: germline. Affected: yes. Observed: 1 variant allele.

Eurofins Ntd Llc (ga)
Classification: Uncertain significance. Last evaluated: 2018-04-27. Review status: criteria provided, single submitter. Criteria: EGL ClinVar v180209 classification definitions. Collection method: clinical testing. Allele origin: germline. Observed: 1 variant allele, 1 heterozygote.

Illumina Laboratory Services, Illumina
Classification: Uncertain significance for Dilated cardiomyopathy 3B. Last evaluated: 2018-01-13. Review status: criteria provided, single submitter. Criteria: ICSL Variant Classification Criteria 13 December 2019. Collection method: clinical testing. Allele origin: germline.

Literature cited by the submitters: PubMed 26066469 (cited by Victorian Clinical Genetics Services, Murdoch Childrens Research Institute).

NM_004006.3(DMD):c.8509G>A (p.Asp2837Asn)

Gene: DMD (dystrophin; minus strand). Cytogenetic location: Xp21.2.
Variant type: single nucleotide variant.
Coding change: c.8509G>A on transcript NM_004006.3 (MANE Select); coding-DNA position 8509, G replaced by A.
Protein change: p.Asp2837Asn; replaces aspartic acid 2837 with asparagine.
Molecular consequence: missense variant.
Genome position (GRCh38, 1-based): chrX:31,496,826, C>T on the plus strand (G>A on the coding strand, the complement: DMD is on the minus strand). VCF-style: chrX-31496826-C-T. GRCh37 (hg19) VCF-style: chrX-31514943-C-T.
Other names: c.8485G>A, p.Asp2829Asn (NM_000109.4); c.8497G>A, p.Asp2833Asn (NM_004009.3); c.8140G>A, p.Asp2714Asn (NM_004010.3); c.4486G>A, p.Asp1496Asn (NM_004011.4); c.4477G>A, p.Asp1493Asn (NM_004012.4); c.1129G>A, p.Asp377Asn (NM_004013.3, NM_004020.4, NM_004021.3 and 2 more transcripts); c.322G>A, p.Asp108Asn (NM_004014.3); short protein forms D2837N, D108N, D2833N, D1493N, D2714N, D2829N, D1496N, D377N.
Identifiers: ClinVar variation 368236 (VCV000368236.62), dbSNP rs965718917, ClinGen allele CA10654305.